The following is an entry in ClinVar:

NM_004958.4(MTOR):c.5844G>A (p.Thr1948=)

Gene: MTOR (mechanistic target of rapamycin kinase; minus strand). Cytogenetic location: 1p36.22.
Variant type: single nucleotide variant.
Coding change: c.5844G>A on transcript NM_004958.4 (MANE Select); coding-DNA position 5844, G replaced by A.
Protein change: p.Thr1948=; no amino-acid change (threonine 1948 retained).
Molecular consequence: synonymous variant.
Genome position (GRCh38, 1-based): chr1:11,128,520, C>T on the plus strand (G>A on the coding strand, the complement: MTOR is on the minus strand). VCF-style: chr1-11128520-C-T. GRCh37 (hg19) VCF-style: chr1-11188577-C-T.
Identifiers: ClinVar variation 729511 (VCV000729511.17), dbSNP rs578148544, ClinGen allele CA589228.
Genomic context (GRCh38, chr1:11,128,520, plus strand): 5'-GTGGTACCGACCAATGTCTGTGAGAAGCTGGTGAATGAGACGTCCCACCAAGGGTCTGGG[C>T]GTATCAATTCTTGCAATGAGCTGAGGTATAACCTGGTATTCAAAAAGACACAGTATGTAG-3'
Protein context (NP_004949.1, residues 1938-1958): VIPQLIARID[Thr1948=]PRPLVGRLIH

ClinVar aggregate classification (germline): Likely benign. Review status: criteria provided, multiple submitters, no conflicts (2 of 4 stars). 2 submissions from 2 submitters: Likely benign (2). Last evaluated 2026-01-01.

Allele frequency attached by ClinVar (database versions not stated): gnomAD 0.00001 and 0.00003; TOPMed 0.00005; ExAC 0.00010; 1000 Genomes Project 30x 0.00016; 1000 Genomes Project 0.00020.
gnomAD v4.1: 61 of 1,614,088 alleles (0.0038%); highest among the groups gnomAD compares: South Asian, 0.045%; no homozygotes.

Submissions (2):

Labcorp Genetics (formerly Invitae), Labcorp
Classification: Likely benign. Last evaluated: 2026-01-01. Review status: criteria provided, single submitter. Criteria: Invitae Variant Classification Sherloc (09022015). Collection method: clinical testing. Allele origin: germline.

CeGaT Center for Human Genetics Tuebingen
Classification: Likely benign. Last evaluated: 2025-07-01. Review status: criteria provided, single submitter. Criteria: CeGaT Center For Human Genetics Tuebingen Variant Classification Criteria Version 2. Collection method: clinical testing. Allele origin: germline. Affected: yes. Observed: 1 variant allele.
Comment: MTOR: BP4, BP7